The following is an entry in ClinVar:

NM_001164508.2(NEB):c.9659T>G (p.Ile3220Ser)

Gene: NEB (nebulin; minus strand). Cytogenetic location: 2q23.3.
Variant type: single nucleotide variant.
Coding change: c.9659T>G on transcript NM_001164508.2 (MANE Select); coding-DNA position 9659, T replaced by G.
Protein change: p.Ile3220Ser; replaces isoleucine 3220 with serine.
Molecular consequence: missense variant.
Genome position (GRCh38, 1-based): chr2:151,630,779, A>C on the plus strand (T>G on the coding strand, the complement: NEB is on the minus strand). VCF-style: chr2-151630779-A-C. GRCh37 (hg19) VCF-style: chr2-152487293-A-C.
Other names: c.9659T>G, p.Ile3220Ser (NM_001164507.2, NM_001271208.2); c.8930T>G, p.Ile2977Ser (NM_004543.5); short protein forms I2977S, I3220S.
Identifiers: ClinVar variation 841840 (VCV000841840.3), dbSNP rs2098651541, ClinGen allele CA348799013.

ClinVar aggregate classification (germline): Uncertain significance (1 of 4 stars; one submission).

Conditions:
Nemaline myopathy 2 (NEM2). Also called: Nemaline myopathy 2, autosomal recessive. Identifiers: MedGen C1850569, MONDO:0009725, OMIM 256030.

Allele frequency attached by ClinVar (database versions not stated): gnomAD exomes below 0.00001.
gnomAD v4.1: 2 of 1,611,830 alleles (0.00012%); highest among the groups gnomAD compares: Non-Finnish European, 0.00017%; no homozygotes.

Submission:

Labcorp Genetics (formerly Invitae), Labcorp
Classification: Uncertain significance for Nemaline myopathy 2. Last evaluated: 2021-08-31. Review status: criteria provided, single submitter. Criteria: Invitae Variant Classification Sherloc (09022015). Collection method: clinical testing. Allele origin: germline.
Comment: This sequence change replaces isoleucine with serine at codon 3220 of the NEB protein (p.Ile3220Ser). The isoleucine residue is moderately conserved and there is a large physicochemical difference between isoleucine and serine. This variant is not present in population databases (ExAC no frequency). This variant has not been reported in the literature in individuals affected with NEB-related conditions. Algorithms developed to predict the effect of missense changes on protein structure and function are either unavailable or do not agree on the potential impact of this missense change (SIFT: "Deleterious"; PolyPhen-2: "Not Available"; Align-GVGD: "Class C0"). In summary, the available evidence is currently insufficient to determine the role of this variant in disease. Therefore, it has been classified as a Variant of Uncertain Significance.